The following is an entry in ClinVar:

NM_152383.5(DIS3L2):c.2013G>T (p.Met671Ile)

Gene: DIS3L2 (DIS3 like 3'-5' exoribonuclease 2; plus strand). Cytogenetic location: 2q37.1.
Variant type: single nucleotide variant.
Coding change: c.2013G>T on transcript NM_152383.5 (MANE Select); coding-DNA position 2013, G replaced by T.
Protein change: p.Met671Ile; replaces methionine 671 with isoleucine.
Molecular consequence: missense variant. On other transcripts: non-coding transcript variant (2), intron variant (1).
Genome position (GRCh38, 1-based): chr2:232,333,842, G>T. VCF-style: chr2-232333842-G-T. GRCh37 (hg19) VCF-style: chr2-233198552-G-T.
Other names: c.1582-9503G>T (NM_001257281.2); short protein forms M671I.
Identifiers: ClinVar variation 1061841 (VCV001061841.7), dbSNP rs528954242, ClinGen allele CA350977296.
Genomic context (GRCh38, chr2:232,333,842, plus strand): 5'-TCCAGGCCTGGCTGGGCAGCTCTGGGCTTGTCAGGCTCTGACCCATCCCGTCCCGCAGAT[G>T]GCACTGTACTTCTGCTCGGGGCTGCTGCAGGACCCAGCGCAGTTCCGGCACTACGCGCTC-3'
Protein context (NP_689596.4, residues 661-681): LTNMCSRPMQ[Met671Ile]ALYFCSGLLQ

ClinVar aggregate classification (germline): Uncertain significance (1 of 4 stars; one submission).

Conditions:
Perlman syndrome (PRLMNS). Identifiers: Orphanet 2849, MedGen C0796113, MONDO:0009965, OMIM 267000.

gnomAD v4.1: 4 of 1,610,304 alleles (0.00025%); highest among the groups gnomAD compares: Non-Finnish European, 0.00025%; no homozygotes.

Submission:

Labcorp Genetics (formerly Invitae), Labcorp
Classification: Uncertain significance for Perlman syndrome. Last evaluated: 2025-11-11. Review status: criteria provided, single submitter. Criteria: Invitae Variant Classification Sherloc (09022015). Collection method: clinical testing. Allele origin: germline.
Comment: This sequence change replaces methionine, which is neutral and non-polar, with isoleucine, which is neutral and non-polar, at codon 671 of the DIS3L2 protein (p.Met671Ile). This variant is not present in population databases (gnomAD no frequency). This missense change has been observed in individual(s) with DIS3L2-related conditions (PMID: 35980532). ClinVar contains an entry for this variant (Variation ID: 1061841). An algorithm developed to predict the effect of missense changes on protein structure and function (PolyPhen-2) suggests that this variant is likely to be disruptive. In summary, the available evidence is currently insufficient to determine the role of this variant in disease. Therefore, it has been classified as a Variant of Uncertain Significance.

Literature cited by the submitters: PubMed 35980532.